The following is an entry in ClinVar:

ClinVar aggregate classification (germline): Uncertain significance. Review status: criteria provided, multiple submitters, no conflicts (2 of 4 stars). 2 submissions from 2 submitters: Uncertain significance (2). Last evaluated 2024-11-25.

Conditions:
Inborn genetic diseases. Identifiers: MedGen C0950123, MeSH D030342.
Kostmann syndrome (SCN3). Also called: KOSTMANN DISEASE; Autosomal recessive severe congenital neutropenia type 3. Identifiers: Orphanet 99749, MedGen C5235141, MONDO:0012548, OMIM 610738.

Allele frequency attached by ClinVar (database versions not stated): ExAC 0.00001; gnomAD exomes 0.00001; TOPMed 0.00003.
gnomAD v4.1: 7 of 1,613,854 alleles (0.00043%); highest among the groups gnomAD compares: African/African-American, 0.0093%; no homozygotes.

Submissions (2):

Ambry Genetics
Classification: Uncertain significance for Inborn genetic diseases. Last evaluated: 2024-11-25. Review status: criteria provided, single submitter. Criteria: Ambry Variant Classification Scheme 2023. Collection method: clinical testing. Allele origin: germline.
Comment: The p.R227L variant (also known as c.680G>T), located in coding exon 6 of the HAX1 gene, results from a G to T substitution at nucleotide position 680. The arginine at codon 227 is replaced by leucine, an amino acid with dissimilar properties. This amino acid position is conserved. In addition, this alteration is predicted to be deleterious by in silico analysis. Based on the available evidence, the clinical significance of this variant remains unclear.

Baylor Genetics
Classification: Uncertain significance for Kostmann syndrome. Last evaluated: 2019-07-12. Review status: criteria provided, single submitter. Criteria: ACMG Guidelines, 2015. Collection method: clinical testing. Allele origin: unknown. Affected: yes.
Comment: This variant was determined to be of uncertain significance according to ACMG Guidelines, 2015 [PMID:25741868].

NM_006118.4(HAX1):c.680G>T (p.Arg227Leu)

Gene: HAX1 (HCLS1 associated protein X-1; plus strand). Cytogenetic location: 1q21.3.
Variant type: single nucleotide variant.
Coding change: c.680G>T on transcript NM_006118.4 (MANE Select); coding-DNA position 680, G replaced by T.
Protein change: p.Arg227Leu; replaces arginine 227 with leucine.
Molecular consequence: missense variant.
Genome position (GRCh38, 1-based): chr1:154,275,409, G>T. VCF-style: chr1-154275409-G-T. GRCh37 (hg19) VCF-style: chr1-154247885-G-T.
Other names: c.536G>T, p.Arg179Leu (NM_001018837.2); short protein forms R179L, R227L.
Identifiers: ClinVar variation 1031021 (VCV001031021.2), dbSNP rs747372275, ClinGen allele CA1127440.